The following is an entry in ClinVar:

ClinVar aggregate classification (germline): Uncertain significance. Review status: criteria provided, single submitter (1 of 4 stars). 2 submissions from 2 submitters: Uncertain significance (1). 1 of the submissions does not count toward it. Last evaluated 2024-01-24.

Conditions:
HNRNPD-related disorder. Also called: HNRNPD-related condition.

Allele frequency attached by ClinVar (database versions not stated): 1000 Genomes Project 30x 0.00062.
gnomAD v4.1: 155 of 1,527,400 alleles (0.01%); highest among the groups gnomAD compares: African/African-American, 0.16%; no homozygotes.

Submissions (2):

Ambry Genetics
Classification: Uncertain significance. Last evaluated: 2024-01-24. Review status: criteria provided, single submitter. Criteria: Ambry Variant Classification Scheme 2023. Collection method: clinical testing. Allele origin: germline.

PreventionGenetics, part of Exact Sciences
Classification: Likely benign for HNRNPD-related condition. Last evaluated: 2020-05-21. Review status: no assertion criteria provided. Collection method: clinical testing. Allele origin: germline. Not counted in ClinVar's aggregate classification.
Comment: This variant is classified as likely benign based on ACMG/AMP sequence variant interpretation guidelines (Richards et al. 2015 PMID: 25741868, with internal and published modifications).

NM_031370.3(HNRNPD):c.18C>A (p.Phe6Leu)

Gene: HNRNPD (heterogeneous nuclear ribonucleoprotein D; minus strand). Cytogenetic location: 4q21.22.
Variant type: single nucleotide variant.
Coding change: c.18C>A on transcript NM_031370.3 (MANE Select); coding-DNA position 18, C replaced by A.
Protein change: p.Phe6Leu; replaces phenylalanine 6 with leucine.
Molecular consequence: missense variant.
Genome position (GRCh38, 1-based): chr4:82,373,661, G>T on the plus strand (C>A on the coding strand, the complement: HNRNPD is on the minus strand). VCF-style: chr4-82373661-G-T. GRCh37 (hg19) VCF-style: chr4-83294814-G-T.
Other names: c.18C>A, p.Phe6Leu (NM_001003810.2, NM_002138.4, NM_031369.3); short protein forms F6L.
Identifiers: ClinVar variation 3047673 (VCV003047673.3), dbSNP rs868073840, ClinGen allele CA101020772.
Genomic context (GRCh38, chr4:82,373,661, plus strand): 5'-CTGCTCGCCCGCCGAGCCGCCTACCGCCGCCGTTGCCGCTGCCGCCGCCCCGTCCCCGCC[G>T]AACTGCTCCTCCGACATAGTGCTAGTGTCTCCGCCGCTGCCGCCGAGACTACACCCGCCG-3'
Protein context (NP_112738.1, residues 1-16): MSEEQ[Phe6Leu]GGDGAAAAAT